The following is an entry in ClinVar:

NM_015346.4(ZFYVE26):c.372T>A (p.Tyr124Ter)

Gene: ZFYVE26 (zinc finger FYVE-type containing 26; minus strand). Cytogenetic location: 14q24.1.
Variant type: single nucleotide variant.
Coding change: c.372T>A on transcript NM_015346.4 (MANE Select); coding-DNA position 372, T replaced by A.
Protein change: p.Tyr124Ter; replaces tyrosine 124 with a stop codon.
Molecular consequence: nonsense.
Genome position (GRCh38, 1-based): chr14:67,807,912, A>T on the plus strand (T>A on the coding strand, the complement: ZFYVE26 is on the minus strand). VCF-style: chr14-67807912-A-T. GRCh37 (hg19) VCF-style: chr14-68274629-A-T.
Other names: short protein forms Y124*.
Identifiers: ClinVar variation 1725796 (VCV001725796.2), dbSNP rs753857000, ClinGen allele CA7240804.

ClinVar aggregate classification (germline): Likely pathogenic (1 of 4 stars; one submission).

Conditions:
Hereditary spastic paraplegia 15 (SPG15). Also called: SPASTIC PARAPLEGIA 15, AUTOSOMAL RECESSIVE; KJELLIN SYNDROME; SPASTIC PARAPLEGIA AND RETINAL DEGENERATION. Identifiers: Orphanet 100996, MedGen C1849128, MONDO:0010044, OMIM 270700.

Allele frequency attached by ClinVar (database versions not stated): gnomAD exomes below 0.00001; ExAC 0.00001.
gnomAD v4.1: 1 of 1,614,172 alleles (0.000062%); highest among the groups gnomAD compares: Non-Finnish European, 0.000085%; no homozygotes.

Submission:

Myriad Genetics, Inc.
Classification: Likely pathogenic for Hereditary spastic paraplegia 15. Last evaluated: 2022-04-01. Review status: criteria provided, single submitter. Criteria: Myriad Women's Health Autosomal Recessive and X-Linked Classification Criteria (2021). Collection method: clinical testing. Allele origin: unknown.
Comment: NM_015346.3(ZFYVE26):c.372T>A(Y124*) is expected to be pathogenic in the context of spastic paraplegia type 15. This variant is predicted to lead to an abnormal or absent protein product due to the creation of a premature termination codon in ZFYVE26, a gene where loss-of-function variants are known to be pathogenic. Please note: this variant was assessed in the context of healthy population screening.